The following is an entry in ClinVar:

NM_000384.3(APOB):c.11591T>C (p.Ile3864Thr)

Gene: APOB (apolipoprotein B; minus strand). Cytogenetic location: 2p24.1.
Variant type: single nucleotide variant.
Coding change: c.11591T>C on transcript NM_000384.3 (MANE Select); coding-DNA position 11591, T replaced by C.
Protein change: p.Ile3864Thr; replaces isoleucine 3864 with threonine.
Molecular consequence: missense variant.
Genome position (GRCh38, 1-based): chr2:21,005,277, A>G on the plus strand (T>C on the coding strand, the complement: APOB is on the minus strand). VCF-style: chr2-21005277-A-G. GRCh37 (hg19) VCF-style: chr2-21228149-A-G.
Other names: short protein forms I3864T.
Identifiers: ClinVar variation 3307724 (VCV003307724.1).

ClinVar aggregate classification (germline): Uncertain significance (1 of 4 stars; one submission).

Conditions:
Cardiovascular phenotype. Identifiers: MedGen CN230736.

Submission:

Ambry Genetics
Classification: Uncertain significance for Cardiovascular phenotype. Last evaluated: 2024-04-19. Review status: criteria provided, single submitter. Criteria: Ambry Variant Classification Scheme 2023. Collection method: clinical testing. Allele origin: germline.
Comment: The p.I3864T variant (also known as c.11591T>C), located in coding exon 26 of the APOB gene, results from a T to C substitution at nucleotide position 11591. The isoleucine at codon 3864 is replaced by threonine, an amino acid with similar properties. This amino acid position is conserved. In addition, this alteration is predicted to be tolerated by in silico analysis. Based on the available evidence, the clinical significance of this variant remains unclear.